The following is an entry in ClinVar:

NM_000430.4(PAFAH1B1):c.568+1G>A

Gene: PAFAH1B1 (platelet activating factor acetylhydrolase 1b regulatory subunit 1; plus strand). Cytogenetic location: 17p13.3.
Variant type: single nucleotide variant.
Coding change: c.568+1G>A on transcript NM_000430.4 (MANE Select); the canonical splice donor site of the intron after coding-DNA position 568, G replaced by A.
Molecular consequence: splice donor variant.
Genome position (GRCh38, 1-based): chr17:2,670,332, G>A. VCF-style: chr17-2670332-G-A. GRCh37 (hg19) VCF-style: chr17-2573626-G-A.
Identifiers: ClinVar variation 436137 (VCV000436137.8), dbSNP rs1555526733, ClinGen allele CA397640470.
Genomic context (GRCh38, chr17:2,670,332, plus strand): 5'-CAGATATGACCATTAAACTATGGGATTTTCAGGGCTTTGAATGCATCAGAACCATGCACG[G>A]TAAGGGGTAGAGGATAGTGCTTTAACAGTAATTTCTATCATGGTACTTCAGAAGGAATAT-3'

ClinVar aggregate classification (germline): Pathogenic. Review status: criteria provided, multiple submitters, no conflicts (2 of 4 stars). 2 submissions from 2 submitters: Pathogenic (2). Last evaluated 2023-10-30.

Conditions:
Lissencephaly due to LIS1 mutation (LIS1). Also called: PAFAH1B1-Associated Lissencephaly/Subcortical Band Heterotopia; Isolated Lissencephaly Sequence; PAFAH1B1-Related Lissencephaly/Subcortical Band Heterotopia. Identifiers: Orphanet 95232, MedGen C4749301, MONDO:0011830, OMIM 607432.

Submissions (2):

3billion
Classification: Pathogenic for Lissencephaly due to LIS1 mutation. Last evaluated: 2023-10-30. Review status: criteria provided, single submitter. Criteria: ACMG Guidelines, 2015. Collection method: clinical testing. Allele origin: germline. Affected: yes.
Comment: The variant is not observed in the gnomAD v2.1.1 dataset. Predicted Consequence/Location: Canonical splice site: predicted to alter splicing and result in a loss or disruption of normal protein function. Multiple pathogenic loss-of-function variants are reported downstream of the variant. The variant has been reported at least twice as pathogenic with clinical assertions and evidence for the classification (ClinVar ID: VCV000436137 /PMID: 36100855 /3billion dataset). Therefore, this variant is classified as Pathogenic according to the recommendation of ACMG/AMP guideline.

Genetic Services Laboratory, University of Chicago
Classification: Pathogenic for Lissencephaly 1. Last evaluated: 2015-08-07. Review status: criteria provided, single submitter. Criteria: ACMG Guidelines, 2015. Collection method: clinical testing. Allele origin: germline. Affected: yes.

Literature cited by the submitters: PubMed 36100855 (cited by 3billion).